The following is an entry in ClinVar:

NM_014874.4(MFN2):c.2020C>A (p.Gln674Lys)

Gene: MFN2 (mitofusin 2; plus strand). Cytogenetic location: 1p36.22.
Variant type: single nucleotide variant.
Coding change: c.2020C>A on transcript NM_014874.4 (MANE Select); coding-DNA position 2020, C replaced by A.
Protein change: p.Gln674Lys; replaces glutamine 674 with lysine.
Molecular consequence: missense variant.
Genome position (GRCh38, 1-based): chr1:12,007,200, C>A. VCF-style: chr1-12007200-C-A. GRCh37 (hg19) VCF-style: chr1-12067257-C-A.
Other names: c.2020C>A, p.Gln674Lys (NM_001127660.2); short protein forms Q674K.
Identifiers: ClinVar variation 640012 (VCV000640012.9), dbSNP rs770361817, ClinGen allele CA599301.

ClinVar aggregate classification (germline): Uncertain significance. Review status: criteria provided, multiple submitters, no conflicts (2 of 4 stars). 2 submissions from 2 submitters: Uncertain significance (2). Last evaluated 2024-09-13.

Conditions:
Charcot-Marie-Tooth disease type 2. Also called: Charcot-Marie-Tooth type 2. Identifiers: Orphanet 64746, MedGen C0270914, MONDO:0018993.

Allele frequency attached by ClinVar (database versions not stated): ExAC 0.00001; gnomAD exomes below 0.00001 and 0.00001; gnomAD 0.00001; TOPMed 0.00001.
gnomAD v4.1: 3 of 1,614,040 alleles (0.00019%); highest among the groups gnomAD compares: Non-Finnish European, 0.00025%; no homozygotes.

Submissions (2):

GeneDx
Classification: Uncertain significance. Last evaluated: 2024-09-13. Review status: criteria provided, single submitter. Criteria: GeneDx Variant Classification Process June 2021. Collection method: clinical testing. Allele origin: germline. Affected: yes.
Comment: Not observed at significant frequency in large population cohorts (gnomAD); In silico analysis indicates that this missense variant does not alter protein structure/function; Has not been previously published as pathogenic or benign to our knowledge

Labcorp Genetics (formerly Invitae), Labcorp
Classification: Uncertain significance for Charcot-Marie-Tooth disease type 2. Last evaluated: 2022-02-03. Review status: criteria provided, single submitter. Criteria: Invitae Variant Classification Sherloc (09022015). Collection method: clinical testing. Allele origin: germline.
Comment: This variant has not been reported in the literature in individuals affected with MFN2-related conditions. The frequency data for this variant in the population databases is considered unreliable, as metrics indicate poor data quality at this position in the gnomAD database. This sequence change replaces glutamine, which is neutral and polar, with lysine, which is basic and polar, at codon 674 of the MFN2 protein (p.Gln674Lys). ClinVar contains an entry for this variant (Variation ID: 640012). In summary, the available evidence is currently insufficient to determine the role of this variant in disease. Therefore, it has been classified as a Variant of Uncertain Significance. Advanced modeling of protein sequence and biophysical properties (such as structural, functional, and spatial information, amino acid conservation, physicochemical variation, residue mobility, and thermodynamic stability) performed at Invitae indicates that this missense variant is not expected to disrupt MFN2 protein function.